The following is an entry in ClinVar:

NM_001849.4(COL6A2):c.736-2A>G

Gene: COL6A2 (collagen type VI alpha 2 chain; plus strand). Cytogenetic location: 21q22.3.
Variant type: single nucleotide variant.
Coding change: c.736-2A>G on transcript NM_001849.4 (MANE Select); the canonical splice acceptor site of the intron before coding-DNA position 736, A replaced by G.
Molecular consequence: splice acceptor variant.
Genome position (GRCh38, 1-based): chr21:46,114,006, A>G. VCF-style: chr21-46114006-A-G. GRCh37 (hg19) VCF-style: chr21-47533920-A-G.
Other names: c.736-2A>G (NM_058175.3, NM_058174.3).
Identifiers: ClinVar variation 374143 (VCV000374143.10), dbSNP rs1057518925, ClinGen allele CA16043569.

ClinVar aggregate classification (germline): Pathogenic/Likely pathogenic. Review status: criteria provided, multiple submitters, no conflicts (2 of 4 stars). 4 submissions from 4 submitters: Pathogenic (3); Likely pathogenic (1). Last evaluated 2023-06-24.

Conditions:
Ullrich congenital muscular dystrophy 1A. Also called: Intermediate COL6-RD; Ullrich congenital muscular dystrophy 1. Identifiers: Orphanet 75840, MedGen C0410179, MONDO:0009681, OMIM 254090.
Bethlem myopathy 1A. Also called: MYOPATHY, BENIGN CONGENITAL, WITH CONTRACTURES; Bethlem Muscular Dystrophy; Bethlem myopathy 1. Identifiers: Orphanet 610, MedGen CN029274, MONDO:0024530, OMIM 158810.
Hyperextensible hand joints. Identifiers: MedGen C1856877, HP:0005639.
Fatigue. Identifiers: MedGen C0015672, HP:0012378.
Limb-girdle muscle weakness. Identifiers: MedGen C1858127, HP:0003325.
Muscular dystrophy. Identifiers: Orphanet 98473, MedGen C0026850, MeSH D009136, MONDO:0020121, HP:0003560.

Submissions (4):

Labcorp Genetics (formerly Invitae), Labcorp
Classification: Pathogenic for Bethlem myopathy 1A. Last evaluated: 2023-06-24. Review status: criteria provided, single submitter. Criteria: Invitae Variant Classification Sherloc (09022015). Collection method: clinical testing. Allele origin: germline.
Comment: This sequence change affects an acceptor splice site in intron 4 of the COL6A2 gene. It is expected to disrupt RNA splicing. Variants that disrupt the donor or acceptor splice site typically lead to a loss of protein function (PMID: 16199547), and loss-of-function variants in COL6A2 are known to be disease-causing for autosomal recessive COL6A2-related conditions (PMID: 21280092, 20976770). However, certain variants affecting donor or acceptor splice sites in the triple helical domain of COL6A2 are expected to result in in-frame exon skipping and have been reported to cause autosomal dominant COL6A2-related conditions (PMID: 18366090). This variant is not present in population databases (gnomAD no frequency). Disruption of this splice site has been observed in individual(s) with autosomal dominant COL6A2-related conditions (PMID: 24801232, 25535305, 33537799). In at least one individual the variant was observed to be de novo. It has also been observed to segregate with disease in related individuals. ClinVar contains an entry for this variant (Variation ID: 374143). Studies have shown that disruption of this splice site is associated with altered splicing resulting in multiple RNA products (PMID: 33537799). For these reasons, this variant has been classified as Pathogenic.

3billion
Classification: Pathogenic for Ullrich congenital muscular dystrophy 1A. Last evaluated: 2021-10-02. Review status: criteria provided, single submitter. Criteria: ACMG Guidelines, 2015. Collection method: clinical testing. Allele origin: paternal. Affected: yes. Observed: 1 heterozygote.
Comment: Canonical splice site: predicted to alter splicing and result in a loss or disruption of normal protein function through nonsense-mediated decay (NMD) or protein truncation. Multiple pathogenic variants are reported downstream of the variant (PVS1_VS). It is not observed in the gnomAD v2.1.1 dataset (PM2). The variant has been reported as pathogenic (ClinVar ID: VCV000523809.3). Therefore, this variant is classified as pathogenic according to the recommendation of ACMG/AMP guideline.

Eurofins Ntd Llc (ga)
Classification: Pathogenic. Last evaluated: 2018-06-12. Review status: criteria provided, single submitter. Criteria: EGL ClinVar v180209 classification definitions. Collection method: clinical testing. Allele origin: germline. Observed: 1 variant allele, 1 heterozygote.

Centre for Mendelian Genomics, University Medical Centre Ljubljana
Classification: Likely pathogenic for Fatigue; Hyperextensible hand joints; Limb-girdle muscle weakness; Muscular dystrophy. Last evaluated: 2014-11-17. Review status: criteria provided, single submitter. Criteria: ACMG Guidelines, 2015. Collection method: clinical testing. Allele origin: unknown. Affected: yes.

Literature cited by the submitters: PubMed 16199547 (cited by Labcorp Genetics (formerly Invitae), Labcorp); PubMed 21280092 (cited by Labcorp Genetics (formerly Invitae), Labcorp); PubMed 20976770 (cited by Labcorp Genetics (formerly Invitae), Labcorp); PubMed 18366090 (cited by Labcorp Genetics (formerly Invitae), Labcorp); PubMed 24801232 (cited by Labcorp Genetics (formerly Invitae), Labcorp); PubMed 25535305 (cited by Labcorp Genetics (formerly Invitae), Labcorp and Eurofins Ntd Llc (ga)); PubMed 33537799 (cited by Labcorp Genetics (formerly Invitae), Labcorp).